The following is an entry in ClinVar:

NM_004239.4(TRIP11):c.5575-1G>A

Gene: TRIP11 (thyroid hormone receptor interactor 11; minus strand). Cytogenetic location: 14q32.12.
Variant type: single nucleotide variant.
Coding change: c.5575-1G>A on transcript NM_004239.4 (MANE Select); the canonical splice acceptor site of the intron before coding-DNA position 5575, G replaced by A.
Molecular consequence: splice acceptor variant.
Genome position (GRCh38, 1-based): chr14:91,972,862, C>T on the plus strand (G>A on the coding strand, the complement: TRIP11 is on the minus strand). VCF-style: chr14-91972862-C-T. GRCh37 (hg19) VCF-style: chr14-92439206-C-T.
Other names: c.5572-1G>A (NM_001321851.1).
Identifiers: ClinVar variation 2056373 (VCV002056373.4), dbSNP rs1314677608, ClinGen allele CA390644146.
Genomic context (GRCh38, chr14:91,972,862, plus strand): 5'-TGGTGGAATGGATGGATGAGATTCTGTTTCTAGAAATTTAACAAAAAGTTCTGAAAAAGA[C>T]TAAGAAAAAATATTTTGGTTATATTAGGCTAGATAATTAAGTTATATTCACTACAACTAA-3'

ClinVar aggregate classification (germline): Likely pathogenic (1 of 4 stars; one submission).

Conditions:
Achondrogenesis, type IA (ACG1A). Identifiers: Orphanet 932, Orphanet 93299, MedGen C0265273, MONDO:0008701, OMIM 200600.

Submission:

Labcorp Genetics (formerly Invitae), Labcorp
Classification: Likely pathogenic for Achondrogenesis, type IA. Last evaluated: 2022-08-23. Review status: criteria provided, single submitter. Criteria: Invitae Variant Classification Sherloc (09022015). Collection method: clinical testing. Allele origin: germline.
Comment: In summary, the currently available evidence indicates that the variant is pathogenic, but additional data are needed to prove that conclusively. Therefore, this variant has been classified as Likely Pathogenic. Algorithms developed to predict the effect of sequence changes on RNA splicing suggest that this variant may disrupt the consensus splice site. This variant has not been reported in the literature in individuals affected with TRIP11-related conditions. This variant is not present in population databases (gnomAD no frequency). This sequence change affects an acceptor splice site in intron 19 of the TRIP11 gene. It is expected to disrupt RNA splicing. Variants that disrupt the donor or acceptor splice site typically lead to a loss of protein function (PMID: 16199547), and loss-of-function variants in TRIP11 are known to be pathogenic (PMID: 20089971, 23956106).

Literature cited by the submitters: PubMed 16199547; PubMed 20089971; PubMed 23956106.